The following is an entry in ClinVar:

NM_001042492.3(NF1):c.4462A>C (p.Thr1488Pro)

Gene: NF1 (neurofibromin 1; plus strand). Cytogenetic location: 17q11.2.
Variant type: single nucleotide variant.
Coding change: c.4462A>C on transcript NM_001042492.3 (MANE Select); coding-DNA position 4462, A replaced by C.
Protein change: p.Thr1488Pro; replaces threonine 1488 with proline.
Molecular consequence: missense variant.
Genome position (GRCh38, 1-based): chr17:31,260,400, A>C. VCF-style: chr17-31260400-A-C. GRCh37 (hg19) VCF-style: chr17-29587418-A-C.
Other names: c.4399A>C, p.Thr1467Pro (NM_000267.4); short protein forms T1467P, T1488P.
Identifiers: ClinVar variation 581691 (VCV000581691.6), dbSNP rs876660162, ClinGen allele CA398999280.

ClinVar aggregate classification (germline): Conflicting classifications of pathogenicity. Review status: criteria provided, conflicting classifications (1 of 4 stars). 3 submissions from 3 submitters: Uncertain significance (2); Likely benign (1). Last evaluated 2026-07-09.

Conditions:
Neurofibromatosis, type 1 (NF1). Also called: VON RECKLINGHAUSEN DISEASE; Neurofibromatosis, type I; Peripheral type neurofibromatosis; NEUROFIBROMATOSIS, TYPE I, SOMATIC. Identifiers: Orphanet 636, MedGen C0027831, MONDO:0018975, OMIM 162200. Disease mechanism: loss of function.
Hereditary cancer-predisposing syndrome. Also called: Neoplastic Syndromes, Hereditary; Hereditary Cancer Syndrome; Hereditary neoplastic syndrome; Tumor predisposition. Identifiers: Orphanet 140162, MedGen C0027672, MeSH D009386, MONDO:0015356.
Cardiovascular phenotype. Identifiers: MedGen CN230736.
Neurofibromatosis, familial spinal (FSNF). Identifiers: Orphanet 636, MedGen C1834235, MONDO:0008078, OMIM 162210. Disease mechanism: loss of function.
Café-au-lait macules with pulmonary stenosis (WTSN). Also called: PULMONIC STENOSIS WITH CAFE-AU-LAIT SPOTS. Identifiers: MedGen C0553586, MONDO:0008672, OMIM 193520.
Neurofibromatosis-Noonan syndrome (NFNS). Also called: NEUROFIBROMATOSIS WITH NOONAN PHENOTYPE. Identifiers: Orphanet 638, MedGen C2931482, MONDO:0011035, OMIM 601321. Disease mechanism: loss of function.
Juvenile myelomonocytic leukemia (JMML). Also called: LEUKEMIA, JUVENILE MYELOMONOCYTIC, SOMATIC. Identifiers: Orphanet 86834, MedGen C0349639, MONDO:0011908, OMIM 607785, HP:0012209.

Submissions (3):

Ambry Genetics
Classification: Likely benign for Cardiovascular phenotype; Hereditary cancer-predisposing syndrome. Last evaluated: 2026-07-09. Review status: criteria provided, single submitter. Criteria: Ambry Variant Classification Scheme 2023. Collection method: clinical testing. Allele origin: germline.

Labcorp Genetics (formerly Invitae), Labcorp
Classification: Uncertain significance for Neurofibromatosis, type 1. Last evaluated: 2023-09-04. Review status: criteria provided, single submitter. Criteria: Invitae Variant Classification Sherloc (09022015). Collection method: clinical testing. Allele origin: germline.
Comment: This sequence change replaces threonine, which is neutral and polar, with proline, which is neutral and non-polar, at codon 1467 of the NF1 protein (p.Thr1467Pro). This variant is not present in population databases (gnomAD no frequency). This variant has not been reported in the literature in individuals affected with NF1-related conditions. ClinVar contains an entry for this variant (Variation ID: 581691). Advanced modeling of protein sequence and biophysical properties (such as structural, functional, and spatial information, amino acid conservation, physicochemical variation, residue mobility, and thermodynamic stability) performed at Invitae indicates that this missense variant is not expected to disrupt NF1 protein function. In summary, the available evidence is currently insufficient to determine the role of this variant in disease. Therefore, it has been classified as a Variant of Uncertain Significance.

Fulgent Genetics
Classification: Uncertain significance for Neurofibromatosis, type 1; Neurofibromatosis, familial spinal; Café-au-lait macules with pulmonary stenosis; Neurofibromatosis-Noonan syndrome; Juvenile myelomonocytic leukemia. Last evaluated: 2021-08-26. Review status: criteria provided, single submitter. Criteria: ACMG Guidelines, 2015. Collection method: clinical testing. Allele origin: unknown.